The following is an entry in ClinVar:

NM_000179.3(MSH6):c.3752C>T (p.Ser1251Leu)

Gene: MSH6 (mutS homolog 6; plus strand). Cytogenetic location: 2p16.3.
Variant type: single nucleotide variant.
Coding change: c.3752C>T on transcript NM_000179.3 (MANE Select); coding-DNA position 3752, C replaced by T.
Protein change: p.Ser1251Leu; replaces serine 1251 with leucine.
Molecular consequence: missense variant.
Genome position (GRCh38, 1-based): chr2:47,806,309, C>T. VCF-style: chr2-47806309-C-T. GRCh37 (hg19) VCF-style: chr2-48033448-C-T.
Other names: c.3362C>T, p.Ser1121Leu (NM_001281492.2); c.2846C>T, p.Ser949Leu (NM_001281493.2, NM_001281494.2); short protein forms S1251L, S1121L, S949L.
Identifiers: ClinVar variation 632903 (VCV000632903.7), dbSNP rs1558392317, ClinGen allele CA346761082.

ClinVar aggregate classification (germline): Uncertain significance. Review status: criteria provided, multiple submitters, no conflicts (2 of 4 stars). 3 submissions from 3 submitters: Uncertain significance (3). Last evaluated 2026-08-19.

Conditions:
Hereditary nonpolyposis colorectal neoplasms. Identifiers: MedGen C0009405, MeSH D003123.
Hereditary cancer-predisposing syndrome. Also called: Neoplastic Syndromes, Hereditary; Hereditary Cancer Syndrome; Hereditary neoplastic syndrome; Tumor predisposition. Identifiers: Orphanet 140162, MedGen C0027672, MeSH D009386, MONDO:0015356.

Submissions (3):

Ambry Genetics
Classification: Uncertain significance for Hereditary cancer-predisposing syndrome. Last evaluated: 2026-08-19. Review status: criteria provided, single submitter. Criteria: Ambry Variant Classification Scheme 2023. Collection method: clinical testing. Allele origin: germline.
Comment: The p.S1251L variant (also known as c.3752C>T), located in coding exon 8 of the MSH6 gene, results from a C to T substitution at nucleotide position 3752. The serine at codon 1251 is replaced by leucine, an amino acid with dissimilar properties. This amino acid position is highly conserved in available vertebrate species. In addition, this alteration is predicted to be deleterious by in silico analysis. Based on the available evidence, the clinical significance of this variant remains unclear.

Labcorp Genetics (formerly Invitae), Labcorp
Classification: Uncertain significance for Hereditary nonpolyposis colorectal neoplasms. Last evaluated: 2023-11-05. Review status: criteria provided, single submitter. Criteria: Invitae Variant Classification Sherloc (09022015). Collection method: clinical testing. Allele origin: germline.
Comment: This sequence change replaces serine, which is neutral and polar, with leucine, which is neutral and non-polar, at codon 1251 of the MSH6 protein (p.Ser1251Leu). This variant is not present in population databases (gnomAD no frequency). This variant has not been reported in the literature in individuals affected with MSH6-related conditions. ClinVar contains an entry for this variant (Variation ID: 632903). Advanced modeling of protein sequence and biophysical properties (such as structural, functional, and spatial information, amino acid conservation, physicochemical variation, residue mobility, and thermodynamic stability) has been performed at Invitae for this missense variant, however the output from this modeling did not meet the statistical confidence thresholds required to predict the impact of this variant on MSH6 protein function. In summary, the available evidence is currently insufficient to determine the role of this variant in disease. Therefore, it has been classified as a Variant of Uncertain Significance.

Women's Health and Genetics/Laboratory Corporation of America, LabCorp
Classification: Uncertain significance. Last evaluated: 2017-11-24. Review status: criteria provided, single submitter. Criteria: LabCorp Variant Classification Summary - May 2015. Collection method: clinical testing. Allele origin: germline.
Comment: Variant summary: The MSH6 c.3752C>T (p.Ser1251Leu) variant involves the alteration of a conserved nucleotide. 4/4 in silico tools predict a damaging outcome for this variant (SNPsandGO not captured due to low reliability index). This variant is absent in 245950 control chromosomes. The variant of interest has not, to our knowledge, been reported in affected individuals via publications and/or reputable databases/clinical diagnostic laboratories; nor evaluated for functional impact by in vivo/vitro studies. Because of the absence of clinical information and the lack of functional studies, the variant is classified as a variant of uncertain significance (VUS) until additional information becomes available.